The following is an entry in ClinVar:

NM_006017.3(PROM1):c.911_918del (p.Asp304fs)

Gene: PROM1 (prominin 1; minus strand). Cytogenetic location: 4p15.32.
Variant type: Deletion.
Coding change: c.911_918del on transcript NM_006017.3 (MANE Select); coding-DNA positions 911 to 918, 8 bases deleted (ACCCTCTG; older notation c.911_918delACCCTCTG).
Protein change: p.Asp304fs; shifts the reading frame from aspartic acid 304.
Molecular consequence: frameshift variant.
Genome position (GRCh38, 1-based): chr4:16,018,407-16,018,414, CAGAGGGT deleted on the plus strand (ACCCTCTG on the coding strand, the reverse complement: PROM1 is on the minus strand); deleting any 8 consecutive bases within chr4:16,018,407-16,018,416 gives the same sequence; the c. name uses the placement nearest the transcript's 3' end. VCF-style (leftmost placement, unchanged base first): chr4-16018406-ACAGAGGGT-A. GRCh37 (hg19) VCF-style: chr4-16020029-ACAGAGGGT-A.
Other names: c.884_891del, p.Asp295fs (NM_001145847.2, NM_001145848.2, NM_001145851.2 and 4 more transcripts); c.911_918del, p.Asp304fs (NM_001145849.2, NM_001145850.2); short protein forms D304fs, D295fs.
Identifiers: ClinVar variation 3664010 (VCV003664010.2).

ClinVar aggregate classification (germline): Pathogenic (1 of 4 stars; one submission).

Submission:

Labcorp Genetics (formerly Invitae), Labcorp
Classification: Pathogenic. Last evaluated: 2024-09-03. Review status: criteria provided, single submitter. Criteria: Invitae Variant Classification Sherloc (09022015). Collection method: clinical testing. Allele origin: germline.
Comment: This sequence change creates a premature translational stop signal (p.Asp304Valfs*8) in the PROM1 gene. It is expected to result in an absent or disrupted protein product. Loss-of-function variants in PROM1 are known to be pathogenic (PMID: 17605048, 19718270, 24154662, 25474345). This variant is not present in population databases (gnomAD no frequency). This variant has not been reported in the literature in individuals affected with PROM1-related conditions. For these reasons, this variant has been classified as Pathogenic.

Literature cited by the submitters: PubMed 17605048; PubMed 19718270; PubMed 24154662; PubMed 25474345.